The following is an entry in ClinVar:

NM_017654.4(SAMD9):c.1889G>A (p.Arg630Lys)

Gene: SAMD9 (sterile alpha motif domain containing 9; minus strand). Cytogenetic location: 7q21.2.
Variant type: single nucleotide variant.
Coding change: c.1889G>A on transcript NM_017654.4 (MANE Select); coding-DNA position 1889, G replaced by A.
Protein change: p.Arg630Lys; replaces arginine 630 with lysine.
Molecular consequence: missense variant.
Genome position (GRCh38, 1-based): chr7:93,104,209, C>T on the plus strand (G>A on the coding strand, the complement: SAMD9 is on the minus strand). VCF-style: chr7-93104209-C-T. GRCh37 (hg19) VCF-style: chr7-92733522-C-T.
Other names: c.1889G>A, p.Arg630Lys (NM_001193307.2); short protein forms R630K.
Identifiers: ClinVar variation 4843132 (VCV004843132.1).

ClinVar aggregate classification (germline): Uncertain significance (1 of 4 stars; one submission).

Conditions:
Inborn genetic diseases. Identifiers: MedGen C0950123, MeSH D030342.

Submission:

Ambry Genetics
Classification: Uncertain significance for Inborn genetic diseases. Last evaluated: 2026-01-06. Review status: criteria provided, single submitter. Criteria: Ambry Variant Classification Scheme 2023. Collection method: clinical testing. Allele origin: germline.
Comment: The p.R630K variant (also known as c.1889G>A), located in coding exon 1 of the SAMD9 gene, results from a G to A substitution at nucleotide position 1889. The arginine at codon 630 is replaced by lysine, an amino acid with highly similar properties. This amino acid position is conserved. In addition, this alteration is predicted to be tolerated by in silico analysis. Based on the available evidence, the clinical significance of this variant remains unclear.